The following is an entry in ClinVar:

NM_000143.4(FH):c.-1C>T

Gene: FH (fumarate hydratase; minus strand). Cytogenetic location: 1q43.
Variant type: single nucleotide variant.
Coding change: c.-1C>T on transcript NM_000143.4 (MANE Select); 1 bases upstream of the start codon, C replaced by T.
Molecular consequence: 5 prime UTR variant.
Genome position (GRCh38, 1-based): chr1:241,519,723, G>A on the plus strand (C>T on the coding strand, the complement: FH is on the minus strand). VCF-style: chr1-241519723-G-A. GRCh37 (hg19) VCF-style: chr1-241683023-G-A.
Identifiers: ClinVar variation 1784199 (VCV001784199.2), dbSNP rs954901711, ClinGen allele CA529933269.

ClinVar aggregate classification (germline): Uncertain significance (1 of 4 stars; one submission).

Conditions:
Hereditary cancer-predisposing syndrome. Also called: Neoplastic Syndromes, Hereditary; Tumor predisposition; Hereditary Cancer Syndrome; Hereditary neoplastic syndrome. Identifiers: Orphanet 140162, MedGen C0027672, MeSH D009386, MONDO:0015356.

Submission:

Ambry Genetics
Classification: Uncertain significance for Hereditary cancer-predisposing syndrome. Last evaluated: 2020-01-09. Review status: criteria provided, single submitter. Criteria: Ambry Variant Classification Scheme 2023. Collection method: clinical testing. Allele origin: germline.
Comment: The c.-1C>T variant is located in the 5' untranslated region (5&rsquo; UTR) of the FH gene. This variant results from a C to T substitution 1 base upstream from the first translated codon. This nucleotide position is well conserved in available vertebrate species. Since supporting evidence is limited at this time, the clinical significance of this alteration remains unclear.